The following is an entry in ClinVar:

NM_002900.3(RBP3):c.3719G>T (p.Ser1240Ile)

Gene: RBP3 (retinol binding protein 3; plus strand). Cytogenetic location: 10q11.22.
Variant type: single nucleotide variant.
Coding change: c.3719G>T on transcript NM_002900.3 (MANE Select); coding-DNA position 3719, G replaced by T.
Protein change: p.Ser1240Ile; replaces serine 1240 with isoleucine.
Molecular consequence: missense variant.
Genome position (GRCh38, 1-based): chr10:47,357,432, G>T. VCF-style: chr10-47357432-G-T. GRCh37 (hg19) VCF-style: chr10-48381930-C-A.
Other names: short protein forms S1240I.
Identifiers: ClinVar variation 848592 (VCV000848592.8), dbSNP rs782623004, ClinGen allele CA5486979.
Genomic context (GRCh38, chr10:47,357,432, plus strand): 5'-AAGAGGCTCTCGCCAGGGCCAAGGAGATGCTCCAGCACAACCAGCTGAGGGTGAAGCGGA[G>T]CCCAGGCCTGCAGGACCACCTGTAGGGAAGGGCCCCATAGGCAGAGCCCCAGGGCAGACA-3'
Protein context (NP_002891.1, residues 1230-1247): LQHNQLRVKR[Ser1240Ile]PGLQDHL

ClinVar aggregate classification (germline): Uncertain significance (1 of 4 stars; one submission).

Allele frequency attached by ClinVar (database versions not stated): gnomAD exomes below 0.00001.

Submission:

Labcorp Genetics (formerly Invitae), Labcorp
Classification: Uncertain significance. Last evaluated: 2019-12-05. Review status: criteria provided, single submitter. Criteria: Invitae Variant Classification Sherloc (09022015). Collection method: clinical testing. Allele origin: germline.
Comment: This sequence change replaces serine with isoleucine at codon 1240 of the RBP3 protein (p.Ser1240Ile). The serine residue is weakly conserved and there is a large physicochemical difference between serine and isoleucine. This variant is present in population databases (rs782623004, ExAC 0.004%). This variant has not been reported in the literature in individuals with RBP3-related conditions. Algorithms developed to predict the effect of missense changes on protein structure and function are either unavailable or do not agree on the potential impact of this missense change (SIFT: "Deleterious"; PolyPhen-2: "Benign"; Align-GVGD: "Class C0"). In summary, the available evidence is currently insufficient to determine the role of this variant in disease. Therefore, it has been classified as a Variant of Uncertain Significance.